The following is an entry in ClinVar:

ClinVar aggregate classification (germline): Uncertain significance. Review status: criteria provided, multiple submitters, no conflicts (2 of 4 stars). 3 submissions from 3 submitters: Uncertain significance (3). Last evaluated 2025-10-21.

Conditions:
Sialuria. Also called: Sialic Acid Storage Disease; SIALURIA, FRENCH TYPE. Identifiers: Orphanet 3166, MedGen C0342853, MONDO:0010028, OMIM 269921.
GNE myopathy (NM). Also called: NONAKA DISTAL MYOPATHY; MYOPATHY, DISTAL, WITH OR WITHOUT RIMMED VACUOLES; INCLUSION BODY MYOPATHY, HEREDITARY, AUTOSOMAL RECESSIVE; INCLUSION BODY MYOPATHY 2, AUTOSOMAL RECESSIVE; IBM 2; Inclusion body myopathy autosomal recessive. Identifiers: Orphanet 602, MedGen C1853926, MONDO:0011603, OMIM 605820.

Allele frequency attached by ClinVar (database versions not stated): gnomAD exomes below 0.00001 and 0.00002; ExAC 0.00002; gnomAD 0.00003 and 0.00004; TOPMed 0.00006.
gnomAD v4.1: 12 of 1,614,036 alleles (0.00074%); highest among the groups gnomAD compares: African/African-American, 0.012%; no homozygotes.

Submissions (3):

Labcorp Genetics (formerly Invitae), Labcorp
Classification: Uncertain significance for Sialuria; GNE myopathy. Last evaluated: 2025-10-21. Review status: criteria provided, single submitter. Criteria: Invitae Variant Classification Sherloc (09022015). Collection method: clinical testing. Allele origin: germline.
Comment: This sequence change replaces leucine, which is neutral and non-polar, with proline, which is neutral and non-polar, at codon 133 of the GNE protein (p.Leu133Pro). This variant is present in population databases (rs760704097, gnomAD 0.02%). This variant has not been reported in the literature in individuals affected with GNE-related conditions. ClinVar contains an entry for this variant (Variation ID: 498263). Invitae Evidence Modeling of protein sequence and biophysical properties (such as structural, functional, and spatial information, amino acid conservation, physicochemical variation, residue mobility, and thermodynamic stability) has been performed for this missense variant. However, the output from this modeling did not meet the statistical confidence thresholds required to predict the impact of this variant on GNE protein function. In summary, the available evidence is currently insufficient to determine the role of this variant in disease. Therefore, it has been classified as a Variant of Uncertain Significance.

Revvity Omics, Revvity
Classification: Uncertain significance. Last evaluated: 2020-11-02. Review status: criteria provided, single submitter. Criteria: ACMG Guidelines, 2015. Collection method: clinical testing. Allele origin: germline.

Eurofins Ntd Llc (ga)
Classification: Uncertain significance. Last evaluated: 2017-01-04. Review status: criteria provided, single submitter. Criteria: EGL Classification Definitions 2015. Collection method: clinical testing. Allele origin: germline. Observed: 2 variant alleles, 2 heterozygotes.

NM_005476.7(GNE):c.305T>C (p.Leu102Pro)

Gene: GNE (glucosamine (UDP-N-acetyl)-2-epimerase/N-acetylmannosamine kinase; minus strand). Cytogenetic location: 9p13.3.
Variant type: single nucleotide variant.
Coding change: c.305T>C on transcript NM_005476.7 (MANE Select); coding-DNA position 305, T replaced by C.
Protein change: p.Leu102Pro; replaces leucine 102 with proline.
Molecular consequence: missense variant.
Genome position (GRCh38, 1-based): chr9:36,246,342, A>G on the plus strand (T>C on the coding strand, the complement: GNE is on the minus strand). VCF-style: chr9-36246342-A-G. GRCh37 (hg19) VCF-style: chr9-36246339-A-G.
Other names: c.398T>C, p.Leu133Pro (NM_001128227.3); c.305T>C, p.Leu102Pro (NM_001190383.3, NM_001374797.1); c.128T>C, p.Leu43Pro (NM_001190384.3, NM_001190388.2, NM_001374798.1); c.398T>C (NM_001128227.2); short protein forms L102P, L133P, L43P.
Identifiers: ClinVar variation 498263 (VCV000498263.13), dbSNP rs760704097, ClinGen allele CA5056737.